The following is an entry in ClinVar:

ClinVar aggregate classification (germline): Uncertain significance. Review status: criteria provided, multiple submitters, no conflicts (2 of 4 stars). 3 submissions from 3 submitters: Uncertain significance (3). Last evaluated 2024-12-16.

Conditions:
TWNK-related disorder. Also called: TWNK-related condition.
Hereditary spastic paraplegia. Also called: Familial spastic paraparesis. Identifiers: Orphanet 685, MedGen C0037773, MONDO:0019064. Disease mechanism: loss of function.

Allele frequency attached by ClinVar (database versions not stated): ExAC 0.00001; gnomAD exomes 0.00001 and 0.00002.
gnomAD v4.1: 25 of 1,614,216 alleles (0.0015%); highest among the groups gnomAD compares: Non-Finnish European, 0.002%; no homozygotes.

Submissions (3):

PreventionGenetics, part of Exact Sciences
Classification: Uncertain significance for TWNK-related condition. Last evaluated: 2024-12-16. Review status: criteria provided, single submitter. Criteria: ACMG Guidelines, 2015. Collection method: clinical testing. Allele origin: germline.
Comment: The TWNK c.1466A>G variant is predicted to result in the amino acid substitution p.His489Arg. To our knowledge, this variant has not been reported in the literature. This variant is reported in 0.0018% of alleles in individuals of European (Non-Finnish) descent in gnomAD. At this time, the clinical significance of this variant is uncertain due to the absence of conclusive functional and genetic evidence.

Labcorp Genetics (formerly Invitae), Labcorp
Classification: Uncertain significance. Last evaluated: 2024-04-22. Review status: criteria provided, single submitter. Criteria: Invitae Variant Classification Sherloc (09022015). Collection method: clinical testing. Allele origin: germline.
Comment: This sequence change replaces histidine, which is basic and polar, with arginine, which is basic and polar, at codon 489 of the TWNK protein (p.His489Arg). This variant is present in population databases (rs765275995, gnomAD 0.002%). This variant has not been reported in the literature in individuals affected with TWNK-related conditions. ClinVar contains an entry for this variant (Variation ID: 1344248). Advanced modeling of protein sequence and biophysical properties (such as structural, functional, and spatial information, amino acid conservation, physicochemical variation, residue mobility, and thermodynamic stability) performed at Invitae indicates that this missense variant is expected to disrupt TWNK protein function with a positive predictive value of 95%. In summary, the available evidence is currently insufficient to determine the role of this variant in disease. Therefore, it has been classified as a Variant of Uncertain Significance.

Genome Diagnostics Laboratory, The Hospital for Sick Children
Classification: Uncertain significance for Hereditary spastic paraplegia. Last evaluated: 2020-08-17. Review status: criteria provided, single submitter. Criteria: ACMG Guidelines, 2015. Collection method: clinical testing. Allele origin: germline. Affected: yes.

NM_021830.5(TWNK):c.1466A>G (p.His489Arg)

Gene: TWNK (twinkle mtDNA helicase; plus strand). Cytogenetic location: 10q24.31.
Variant type: single nucleotide variant.
Coding change: c.1466A>G on transcript NM_021830.5 (MANE Select); coding-DNA position 1466, A replaced by G.
Protein change: p.His489Arg; replaces histidine 489 with arginine.
Molecular consequence: missense variant. On other transcripts: non-coding transcript variant (5).
Genome position (GRCh38, 1-based): chr10:100,989,866, A>G. VCF-style: chr10-100989866-A-G. GRCh37 (hg19) VCF-style: chr10-102749623-A-G.
Other names: c.1466A>G, p.His489Arg (NM_001163812.2); c.104A>G, p.His35Arg (NM_001163813.2, NM_001163814.2, NM_001368275.1); short protein forms H35R, H489R.
Identifiers: ClinVar variation 1344248 (VCV001344248.10), dbSNP rs765275995, ClinGen allele CA5653232.